The following is an entry in ClinVar:

NM_000179.3(MSH6):c.3458T>C (p.Met1153Thr)

Gene: MSH6 (mutS homolog 6; plus strand). Cytogenetic location: 2p16.3.
Variant type: single nucleotide variant.
Coding change: c.3458T>C on transcript NM_000179.3 (MANE Select); coding-DNA position 3458, T replaced by C.
Protein change: p.Met1153Thr; replaces methionine 1153 with threonine.
Molecular consequence: missense variant.
Genome position (GRCh38, 1-based): chr2:47,804,929, T>C. VCF-style: chr2-47804929-T-C. GRCh37 (hg19) VCF-style: chr2-48032068-T-C.
Other names: c.3068T>C, p.Met1023Thr (NM_001281492.2); c.2552T>C, p.Met851Thr (NM_001281493.2, NM_001281494.2); short protein forms M1153T, M851T, M1023T.
Identifiers: ClinVar variation 483783 (VCV000483783.15), dbSNP rs761160431, ClinGen allele CA070996.

ClinVar aggregate classification (germline): Uncertain significance. Review status: criteria provided, multiple submitters, no conflicts (2 of 4 stars). 2 submissions from 2 submitters: Uncertain significance (2). Last evaluated 2024-04-29.

Conditions:
Hereditary cancer-predisposing syndrome. Also called: Neoplastic Syndromes, Hereditary; Tumor predisposition; Hereditary Cancer Syndrome; Hereditary neoplastic syndrome. Identifiers: Orphanet 140162, MedGen C0027672, MeSH D009386, MONDO:0015356.
Hereditary nonpolyposis colorectal neoplasms. Identifiers: MedGen C0009405, MeSH D003123.

Allele frequency attached by ClinVar (database versions not stated): gnomAD exomes below 0.00001; ExAC 0.00001; gnomAD 0.00001.

Submissions (2):

Labcorp Genetics (formerly Invitae), Labcorp
Classification: Uncertain significance for Hereditary nonpolyposis colorectal neoplasms. Last evaluated: 2024-04-29. Review status: criteria provided, single submitter. Criteria: Invitae Variant Classification Sherloc (09022015). Collection method: clinical testing. Allele origin: germline.
Comment: This sequence change replaces methionine, which is neutral and non-polar, with threonine, which is neutral and polar, at codon 1153 of the MSH6 protein (p.Met1153Thr). This variant is present in population databases (rs761160431, gnomAD 0.005%). This variant has not been reported in the literature in individuals affected with MSH6-related conditions. ClinVar contains an entry for this variant (Variation ID: 483783). Advanced modeling of protein sequence and biophysical properties (such as structural, functional, and spatial information, amino acid conservation, physicochemical variation, residue mobility, and thermodynamic stability) has been performed at Invitae for this missense variant, however the output from this modeling did not meet the statistical confidence thresholds required to predict the impact of this variant on MSH6 protein function. In summary, the available evidence is currently insufficient to determine the role of this variant in disease. Therefore, it has been classified as a Variant of Uncertain Significance.

Ambry Genetics
Classification: Uncertain significance for Hereditary cancer-predisposing syndrome. Last evaluated: 2020-10-21. Review status: criteria provided, single submitter. Criteria: Ambry Variant Classification Scheme 2023. Collection method: clinical testing. Allele origin: germline.
Comment: The p.M1153T variant (also known as c.3458T>C), located in coding exon 6 of the MSH6 gene, results from a T to C substitution at nucleotide position 3458. The methionine at codon 1153 is replaced by threonine, an amino acid with similar properties. This amino acid position is not well conserved in available vertebrate species. In addition, this alteration is predicted to be deleterious by in silico analysis. Since supporting evidence is limited at this time, the clinical significance of this alteration remains unclear.